The following is an entry in ClinVar:

NM_001080517.3(SETD5):c.698T>G (p.Leu233Arg)

Gene: SETD5 (SET domain containing 5; plus strand). Cytogenetic location: 3p25.3.
Variant type: single nucleotide variant.
Coding change: c.698T>G on transcript NM_001080517.3 (MANE Select); coding-DNA position 698, T replaced by G.
Protein change: p.Leu233Arg; replaces leucine 233 with arginine.
Molecular consequence: missense variant.
Genome position (GRCh38, 1-based): chr3:9,440,586, T>G. VCF-style: chr3-9440586-T-G. GRCh37 (hg19) VCF-style: chr3-9482270-T-G.
Other names: c.404T>G, p.Leu135Arg (NM_001292043.2, NM_001349451.2); c.698T>G (NM_001080517.2); short protein forms L135R, L233R.
Identifiers: ClinVar variation 3777079 (VCV003777079.1).
Genomic context (GRCh38, chr3:9,440,586, plus strand): 5'-GGACTGACCAGTATGAAGAAGCTTTCACTAATCAGTACAGTGCAGATGTACAGAACGCGC[T>G]TGAACAACACCTACATTCTAGCAAGGAATTTGTGGGCAAACCTACTATTTTAGACACTAT-3'
Protein context (NP_001073986.1, residues 223-243): NQYSADVQNA[Leu233Arg]EQHLHSSKEF

ClinVar aggregate classification (germline): Uncertain significance (1 of 4 stars; one submission).

Conditions:
Intellectual disability-facial dysmorphism syndrome due to SETD5 haploinsufficiency (MRD23). Also called: Intellectual developmental disorder, autosomal dominant 23. Identifiers: Orphanet 404440, MedGen C3810406, MONDO:0014336, OMIM 615761.

Submission:

University of Washington Department of Laboratory Medicine, University of Washington
Classification: Uncertain significance for Intellectual disability-facial dysmorphism syndrome due to SETD5 haploinsufficiency. Last evaluated: 2023-07-18. Review status: criteria provided, single submitter. Criteria: ACMG Guidelines, 2015. Collection method: clinical testing. Allele origin: unknown. Affected: yes.
Comment: The p.Leu233Arg variant in the SETD5 gene has not been previously reported in association with disease and was absent from large population databases, including the Genome Aggregation Database. This variant is located in the SET domain, a putative lysine methyl transferase, of the SETD5 protein. Other pathogenic and likely pathogenic variants have been described in this domain and disrupt the function of SETD5. In silico tools predict that the p.Leu233Arg variant is deleterious; however, these predictions have not been tested directly. Using ACMG guidelines, this variant was classified as a variant of uncertain significance (ACMG evidence codes used: PM1_supporting, PM2_supporting, PP3).